The following is an entry in ClinVar:

ClinVar aggregate classification (germline): Benign/Likely benign. Review status: criteria provided, multiple submitters, no conflicts (2 of 4 stars). 4 submissions from 4 submitters: Benign (1); Likely benign (3). Last evaluated 2024-11-18.

Conditions:
Wolfram syndrome 1 (WFS1). Identifiers: Orphanet 3463, MedGen C4551693, MONDO:0009101, OMIM 222300.

Allele frequency attached by ClinVar (database versions not stated): gnomAD 0.00006; TOPMed 0.00011; ESP Exome Variant Server 0.00015; 1000 Genomes Project 30x 0.00016; 1000 Genomes Project 0.00020.
gnomAD v4.1: 32 of 1,605,948 alleles (0.002%); highest among the groups gnomAD compares: African/African-American, 0.024%; no homozygotes.

Submissions (4):

Labcorp Genetics (formerly Invitae), Labcorp
Classification: Likely benign. Last evaluated: 2024-11-18. Review status: criteria provided, single submitter. Criteria: Invitae Variant Classification Sherloc (09022015). Collection method: clinical testing. Allele origin: germline.

GeneDx
Classification: Likely benign. Last evaluated: 2022-02-07. Review status: criteria provided, single submitter. Criteria: GeneDx Variant Classification Process June 2021. Collection method: clinical testing. Allele origin: germline. Affected: yes.

Blueprint Genetics
Classification: Likely benign. Last evaluated: 2022-01-25. Review status: criteria provided, single submitter. Criteria: ACMG Guidelines, 2015. Collection method: clinical testing. Allele origin: germline.

Clinical Genomics, Uppaluri K&H Personalized Medicine Clinic
Classification: Benign for Wolfram syndrome 1. Review status: criteria provided, single submitter. Criteria: K & H Uppaluri Personalized Medicine Clinic Variant Classification & Assertion Criteria_Updated V.1. Collection method: research. Allele origin: unknown. Inheritance: Autosomal recessive inheritance.
Comment: Potent mutations in WFS1 gene are associated with Wolfram's syndrome, an autosomal recessive condition, which cause diabetes mellitus, diabetes insipidus, deafness and optic atrophy. However no sufficient evidence is found to ascertain the role of this particular variant rs376195481 in Wolfram's syndrome yet.

Literature cited by the submitters: PubMed 20738327 (cited by Clinical Genomics, Uppaluri K&H Personalized Medicine Clinic); PubMed 33879153 (cited by Clinical Genomics, Uppaluri K&H Personalized Medicine Clinic); PubMed 12955714 (cited by Clinical Genomics, Uppaluri K&H Personalized Medicine Clinic); PubMed 18060660 (cited by Clinical Genomics, Uppaluri K&H Personalized Medicine Clinic); PubMed 20301750 (cited by Clinical Genomics, Uppaluri K&H Personalized Medicine Clinic); PubMed 17603484 (cited by Clinical Genomics, Uppaluri K&H Personalized Medicine Clinic).

NM_006005.3(WFS1):c.2445C>G (p.Leu815=)

Gene: WFS1 (wolframin ER transmembrane glycoprotein; plus strand). Cytogenetic location: 4p16.1.
Variant type: single nucleotide variant.
Coding change: c.2445C>G on transcript NM_006005.3 (MANE Select); coding-DNA position 2445, C replaced by G.
Protein change: p.Leu815=; no amino-acid change (leucine 815 retained).
Molecular consequence: synonymous variant.
Genome position (GRCh38, 1-based): chr4:6,302,240, C>G. VCF-style: chr4-6302240-C-G. GRCh37 (hg19) VCF-style: chr4-6303967-C-G.
Other names: c.2445C>G, p.Leu815= (NM_001145853.1).
Identifiers: ClinVar variation 767463 (VCV000767463.13), dbSNP rs376195481, ClinGen allele CA2839739.